The following is an entry in ClinVar:

NM_000478.6(ALPL):c.581C>G (p.Pro194Arg)

Gene: ALPL (alkaline phosphatase, biomineralization associated; plus strand). Cytogenetic location: 1p36.12.
Variant type: single nucleotide variant.
Coding change: c.581C>G on transcript NM_000478.6 (MANE Select); coding-DNA position 581, C replaced by G.
Protein change: p.Pro194Arg; replaces proline 194 with arginine.
Molecular consequence: missense variant.
Genome position (GRCh38, 1-based): chr1:21,564,149, C>G. VCF-style: chr1-21564149-C-G. GRCh37 (hg19) VCF-style: chr1-21890642-C-G.
Other names: c.416C>G, p.Pro139Arg (NM_001127501.4); c.350C>G, p.Pro117Arg (NM_001177520.3); c.581C>G, p.Pro194Arg (NM_001369803.2, NM_001369804.2, NM_001369805.2); short protein forms P117R, P139R, P194R.
Identifiers: ClinVar variation 3701190 (VCV003701190.1).

ClinVar aggregate classification (germline): Uncertain significance (1 of 4 stars; one submission).

Submission:

Labcorp Genetics (formerly Invitae), Labcorp
Classification: Uncertain significance. Last evaluated: 2024-02-14. Review status: criteria provided, single submitter. Criteria: Invitae Variant Classification Sherloc (09022015). Collection method: clinical testing. Allele origin: germline.
Comment: This sequence change replaces proline, which is neutral and non-polar, with arginine, which is basic and polar, at codon 194 of the ALPL protein (p.Pro194Arg). This variant is not present in population databases (gnomAD no frequency). This variant has not been reported in the literature in individuals affected with ALPL-related conditions. Advanced modeling of protein sequence and biophysical properties (such as structural, functional, and spatial information, amino acid conservation, physicochemical variation, residue mobility, and thermodynamic stability) has been performed at Invitae for this missense variant, however the output from this modeling did not meet the statistical confidence thresholds required to predict the impact of this variant on ALPL protein function. In summary, the available evidence is currently insufficient to determine the role of this variant in disease. Therefore, it has been classified as a Variant of Uncertain Significance.